The following is an entry in ClinVar:

NM_020693.4(DSCAML1):c.5953C>T (p.Pro1985Ser)

Gene: DSCAML1 (DS cell adhesion molecule like 1; minus strand). Cytogenetic location: 11q23.3.
Variant type: single nucleotide variant.
Coding change: c.5953C>T on transcript NM_020693.4 (MANE Select); coding-DNA position 5953, C replaced by T.
Protein change: p.Pro1985Ser; replaces proline 1985 with serine.
Molecular consequence: missense variant.
Genome position (GRCh38, 1-based): chr11:117,428,537, G>A on the plus strand (C>T on the coding strand, the complement: DSCAML1 is on the minus strand). VCF-style: chr11-117428537-G-A. GRCh37 (hg19) VCF-style: chr11-117299253-G-A.
Other names: short protein forms P1985S.
Identifiers: ClinVar variation 3004679 (VCV003004679.3), dbSNP rs967064423, ClinGen allele CA229391750.

ClinVar aggregate classification (germline): Uncertain significance (1 of 4 stars; one submission).

Allele frequency attached by ClinVar (database versions not stated): TOPMed 0.00001.
gnomAD v4.1: 4 of 1,514,950 alleles (0.00026%); highest among the groups gnomAD compares: South Asian, 0.0012%; no homozygotes.

Submission:

Labcorp Genetics (formerly Invitae), Labcorp
Classification: Uncertain significance. Last evaluated: 2025-02-16. Review status: criteria provided, single submitter. Criteria: Invitae Variant Classification Sherloc (09022015). Collection method: clinical testing. Allele origin: germline.
Comment: This sequence change replaces proline, which is neutral and non-polar, with serine, which is neutral and polar, at codon 2045 of the DSCAML1 protein (p.Pro2045Ser). This variant is not present in population databases (gnomAD no frequency). This variant has not been reported in the literature in individuals affected with DSCAML1-related conditions. ClinVar contains an entry for this variant (Variation ID: 3004679). An algorithm developed to predict the effect of missense changes on protein structure and function (PolyPhen-2) suggests that this variant is likely to be tolerated. In summary, the available evidence is currently insufficient to determine the role of this variant in disease. Therefore, it has been classified as a Variant of Uncertain Significance.